The following is an entry in ClinVar:

NM_000352.6(ABCC8):c.3828del (p.Ala1277fs)

Gene: ABCC8 (ATP binding cassette subfamily C member 8; minus strand). Cytogenetic location: 11p15.1.
Variant type: Deletion.
Coding change: c.3828del on transcript NM_000352.6 (MANE Select); coding-DNA position 3828, one base deleted (T; older notation c.3828delT).
Protein change: p.Ala1277fs; shifts the reading frame from alanine 1277.
Molecular consequence: frameshift variant. On other transcripts: non-coding transcript variant (1).
Genome position (GRCh38, 1-based): chr11:17,397,723, A deleted on the plus strand (T on the coding strand, the reverse complement: ABCC8 is on the minus strand). VCF-style (leftmost placement, unchanged base first): chr11-17397722-CA-C. GRCh37 (hg19) VCF-style: chr11-17419269-CA-C.
Other names: NM_001287174.3:c.3831del; c.3831del, p.Ala1278fs (NM_001287174.3); c.3894del, p.Ala1299fs (NM_001351295.2); c.3828del, p.Ala1277fs (NM_001351296.2); c.3825del, p.Ala1276fs (NM_001351297.2); short protein forms A1276fs, A1277fs, A1278fs, A1299fs.
Identifiers: ClinVar variation 2576200 (VCV002576200.1), dbSNP rs775657272, ClinGen allele CA5902686.

ClinVar aggregate classification (germline): Pathogenic (1 of 4 stars; one submission).

Conditions:
Hyperinsulinemic hypoglycemia, familial, 1 (HHF1). Also called: HYPERINSULINISM, FAMILIAL, WITH PANCREATIC NESIDIOBLASTOSIS; HYPOGLYCEMIA, HYPERINSULINEMIC, OF INFANCY; Persistent Hyperinsulinemia Hypoglycemia of Infancy; NESIDIOBLASTOSIS OF PANCREAS; Persistent hyperinsulinemic hypoglycemia of infancy. Identifiers: Orphanet 276575, Orphanet 276598, MedGen C2931832, MONDO:0009734, OMIM 256450.

Allele frequency attached by ClinVar (database versions not stated): ExAC 0.00001; gnomAD 0.00001; TOPMed 0.00001.

Submission:

Broad Center for Mendelian Genomics, Broad Institute of MIT and Harvard
Classification: Pathogenic for Hyperinsulinemic hypoglycemia, familial, 1. Last evaluated: 2023-08-16. Review status: criteria provided, single submitter. Criteria: ACMG Guidelines, 2015. Collection method: curation. Allele origin: germline. Inheritance: Autosomal recessive inheritance.
Comment: Although this variant has been seen in the general population in a heterozygous state, its frequency is low enough to be consistent with a recessive carrier frequency. This variant is predicted to cause a frameshift, which alters the protein’s amino acid sequence beginning at position 1277 and leads to a premature termination codon 12 amino acids downstream. This alteration is then predicted to lead to a truncated or absent protein. Loss of function of the ABCC8 gene is an established disease mechanism in autosomal recessive hyperinsulinemic hypoglycemia. In summary, this variant meets criteria to be classified as pathogenic for autosomal recessive hyperinsulinemic hypoglycemia. ACMG/AMP Criteria applied: PVS1, PM2_supporting, PM3_supporting (Richards 2015).